The following is an entry in ClinVar:

NM_002609.4(PDGFRB):c.1615_1616insGAT (p.Ile538_Leu539insArg)

Gene: PDGFRB (platelet derived growth factor receptor beta; minus strand). Cytogenetic location: 5q32.
Variant type: Insertion.
Coding change: c.1615_1616insGAT on transcript NM_002609.4 (MANE Select); coding-DNA positions 1615 to 1616, GAT inserted.
Protein change: p.Ile538_Leu539insArg.
Molecular consequence: inframe insertion.
Genome position: GRCh38 VCF-style: chr5-150126578-A-AATC. GRCh37 (hg19) VCF-style: chr5-149506141-A-AATC.
Other names: c.1423_1424insGAT, p.Ile474_Leu475insArg (NM_001355016.2); c.1132_1133insGAT, p.Ile377_Leu378insArg (NM_001355017.2).
Identifiers: ClinVar variation 375557 (VCV000375557.3), dbSNP rs1060499541, ClinGen allele CA16609703.
Genomic context (GRCh38, chr5:150,126,578, plus strand): 5'-ACCTTCTGCCAAAGCATGATGAGGATGATAAGGGAGATGATGGTGAGCACCACCAGGGCC[A>AATC]GGATGGCTGAGATCACCACCACCTTAAAGGGCAAGGCTGGAGGCAGAGATGAGAGCAGGC-3'

ClinVar aggregate classification (germline): Pathogenic (0 of 4 stars; one submission).

Conditions:
Infantile myofibromatosis (IMF). Also called: Congenital generalized fibromatosis. Identifiers: Orphanet 2591, MedGen C0432284, MONDO:0016824.

Submission:

Demoulin lab, University of Louvain
Classification: Pathogenic for Infantile myofibromatosis. Last evaluated: 2016-12-01. Review status: no assertion criteria provided. Collection method: research, in vitro. Allele origin: somatic, not applicable. Inheritance: Somatic mutation. Affected: yes. Observed: 2 variant alleles, 2 heterozygotes.
Comment: This mutation was found in two patients with myofibromatosis. It strongly activates PDGFRB signaling in cell culture (gain of function). We sequenced PDGFRB in myofibromatosis cases using the Ion Torrent technology. All variants were confirmed by an alternative method (allele specific PCR or Sanger sequencing). Mutants were functionally characterized in experiments based on cell transfection.

Literature cited by the submitters: PubMed 28334876.